The following is an entry in ClinVar:

ClinVar aggregate classification (germline): Uncertain significance (1 of 4 stars; one submission).

gnomAD v4.1: 15 of 1,612,546 alleles (0.00093%); highest among the groups gnomAD compares: Non-Finnish European, 0.001%; no homozygotes.

Submission:

Ambry Genetics
Classification: Uncertain significance. Last evaluated: 2024-03-21. Review status: criteria provided, single submitter. Criteria: Ambry Variant Classification Scheme 2023. Collection method: clinical testing. Allele origin: germline.
Comment: The p.S1028F variant (also known as c.3083C>T), located in coding exon 18 of the PKP4 gene, results from a C to T substitution at nucleotide position 3083. The serine at codon 1028 is replaced by phenylalanine, an amino acid with highly dissimilar properties. This amino acid position is conserved. In addition, the in silico prediction for this alteration is inconclusive. Based on the available evidence, the clinical significance of this alteration remains unclear.

NM_003628.6(PKP4):c.3083C>T (p.Ser1028Phe)

Genes: PKP4 (plakophilin 4; plus strand), PKP4-AS1 (PKP4 antisense RNA 1; minus strand). Cytogenetic location: 2q24.1.
Variant type: single nucleotide variant.
Coding change: c.3083C>T on transcript NM_003628.6 (MANE Select); coding-DNA position 3083, C replaced by T.
Protein change: p.Ser1028Phe; replaces serine 1028 with phenylalanine.
Molecular consequence: missense variant.
Genome position (GRCh38, 1-based): chr2:158,673,956, C>T. VCF-style: chr2-158673956-C-T. GRCh37 (hg19) VCF-style: chr2-159530468-C-T.
Other names: c.3083C>T, p.Ser1028Phe (NM_001005476.4, NM_001377218.1, NM_001377225.1); c.3080C>T, p.Ser1027Phe (NM_001304969.3, NM_001377219.1, NM_001377220.1 and 2 more transcripts); c.2054C>T, p.Ser685Phe (NM_001304970.3); c.3077C>T, p.Ser1026Phe (NM_001377222.1, NM_001377223.1); c.3074C>T, p.Ser1025Phe (NM_001377224.1); short protein forms S1025F, S1027F, S685F, S1026F, S1028F.
Identifiers: ClinVar variation 3307127 (VCV003307127.1).